The following is an entry in ClinVar:

ClinVar aggregate classification (germline): Uncertain significance (1 of 4 stars; one submission).

Submission:

GeneDx
Classification: Uncertain significance. Last evaluated: 2024-12-09. Review status: criteria provided, single submitter. Criteria: GeneDx Variant Classification Process June 2021. Collection method: clinical testing. Allele origin: germline. Affected: yes.
Comment: Not observed at significant frequency in large population cohorts (gnomAD); Missense variants in this gene are a common cause of disease and they are underrepresented in the general population; In silico analysis supports that this missense variant has a deleterious effect on protein structure/function; Has not been previously published as pathogenic or benign to our knowledge

NM_002755.4(MAP2K1):c.974T>G (p.Leu325Arg)

Gene: MAP2K1 (mitogen-activated protein kinase kinase 1; plus strand). Cytogenetic location: 15q22.31.
Variant type: single nucleotide variant.
Coding change: c.974T>G on transcript NM_002755.4 (MANE Select); coding-DNA position 974, T replaced by G.
Protein change: p.Leu325Arg; replaces leucine 325 with arginine.
Molecular consequence: missense variant.
Genome position (GRCh38, 1-based): chr15:66,489,228, T>G. VCF-style: chr15-66489228-T-G. GRCh37 (hg19) VCF-style: chr15-66781566-T-G.
Other names: c.830T>G, p.Leu277Arg (NM_001411065.1); short protein forms L277R, L325R.
Identifiers: ClinVar variation 3902878 (VCV003902878.1).